The following is an entry in ClinVar:

ClinVar aggregate classification (germline): not provided (0 of 4 stars; one submission).

Allele frequency attached by ClinVar (database versions not stated): gnomAD exomes 0.00007 and 0.00026; gnomAD 0.00009 and 0.00012; TOPMed 0.00015; ExAC 0.00021; 1000 Genomes Project 30x 0.00031; 1000 Genomes Project 0.00040.
gnomAD v4.1: 115 of 1,613,516 alleles (0.0071%); highest among the groups gnomAD compares: East Asian, 0.21%; no homozygotes.

Submission:

Human Evolutionary Genetics, Institut Pasteur
No classification provided. Review status: no classification provided. Collection method: not provided. Allele origin: germline.
ClinVar note: Converted during submission from untested to not provided.

NM_001282144.2(NLRX1):c.1656C>T (p.Leu552=)

Gene: NLRX1 (NLR family member X1; plus strand). Cytogenetic location: 11q23.3.
Variant type: single nucleotide variant.
Coding change: c.1656C>T on transcript NM_001282144.2 (MANE Select); coding-DNA position 1656, C replaced by T.
Protein change: p.Leu552=; no amino-acid change (leucine 552 retained).
Molecular consequence: synonymous variant.
Genome position (GRCh38, 1-based): chr11:119,175,259, C>T. VCF-style: chr11-119175259-C-T. GRCh37 (hg19) VCF-style: chr11-119045968-C-T.
Other names: c.1656C>T, p.Leu552= (NM_001282143.2, NM_001282358.2, NM_024618.4).
Identifiers: ClinVar variation 103135 (VCV000103135.2), dbSNP rs199476048, ClinGen allele CA230169.